The following is an entry in ClinVar:

ClinVar aggregate classification (germline): Uncertain significance (1 of 4 stars; one submission).

Conditions:
Neuroblastoma, susceptibility to, 3. Also called: ALK-Related Neuroblastic Tumor Susceptibility. Identifiers: Orphanet 635, MedGen C2751681, MONDO:0013083, OMIM 613014.

Submission:

Labcorp Genetics (formerly Invitae), Labcorp
Classification: Uncertain significance for Neuroblastoma, susceptibility to, 3. Last evaluated: 2022-08-10. Review status: criteria provided, single submitter. Criteria: Invitae Variant Classification Sherloc (09022015). Collection method: clinical testing. Allele origin: germline.
Comment: Algorithms developed to predict the effect of sequence changes on RNA splicing suggest that this variant may disrupt the consensus splice site. This variant has not been reported in the literature in individuals affected with ALK-related conditions. This variant is not present in population databases (gnomAD no frequency). This sequence change falls in intron 23 of the ALK gene. It does not directly change the encoded amino acid sequence of the ALK protein. In summary, the available evidence is currently insufficient to determine the role of this variant in disease. Therefore, it has been classified as a Variant of Uncertain Significance.

NM_004304.5(ALK):c.3646-11T>C

Gene: ALK (ALK receptor tyrosine kinase; minus strand). Cytogenetic location: 2p23.2.
Variant type: single nucleotide variant.
Coding change: c.3646-11T>C on transcript NM_004304.5 (MANE Select); 11 bases into the intron before coding-DNA position 3646, T replaced by C.
Molecular consequence: intron variant.
Genome position (GRCh38, 1-based): chr2:29,214,092, A>G on the plus strand (T>C on the coding strand, the complement: ALK is on the minus strand). VCF-style: chr2-29214092-A-G. GRCh37 (hg19) VCF-style: chr2-29436958-A-G.
Other names: c.442-11T>C (NM_001353765.2).
Identifiers: ClinVar variation 2022702 (VCV002022702.4), dbSNP rs2148159619, ClinGen allele CA2580066324.